The following is an entry in ClinVar:

NM_001384732.1(CPLANE1):c.2581+1G>C

Gene: CPLANE1 (ciliogenesis and planar polarity effector complex subunit 1; minus strand). Cytogenetic location: 5p13.2.
Variant type: single nucleotide variant.
Coding change: c.2581+1G>C on transcript NM_001384732.1 (MANE Select); the canonical splice donor site of the intron after coding-DNA position 2581, G replaced by C.
Molecular consequence: splice donor variant.
Genome position (GRCh38, 1-based): chr5:37,224,252, C>G on the plus strand (G>C on the coding strand, the complement: CPLANE1 is on the minus strand). VCF-style: chr5-37224252-C-G. GRCh37 (hg19) VCF-style: chr5-37224354-C-G.
Other names: c.2581+1G>C (NM_023073.4).
Identifiers: ClinVar variation 2024081 (VCV002024081.4), dbSNP rs2548539753, ClinGen allele CA359491816.

ClinVar aggregate classification (germline): Likely pathogenic (1 of 4 stars; one submission).

Submission:

Labcorp Genetics (formerly Invitae), Labcorp
Classification: Likely pathogenic. Last evaluated: 2023-05-15. Review status: criteria provided, single submitter. Criteria: Invitae Variant Classification Sherloc (09022015). Collection method: clinical testing. Allele origin: germline.
Comment: In summary, the currently available evidence indicates that the variant is pathogenic, but additional data are needed to prove that conclusively. Therefore, this variant has been classified as Likely Pathogenic. Algorithms developed to predict the effect of sequence changes on RNA splicing suggest that this variant may disrupt the consensus splice site. ClinVar contains an entry for this variant (Variation ID: 2024081). This variant has not been reported in the literature in individuals affected with CPLANE1-related conditions. This variant is not present in population databases (gnomAD no frequency). This sequence change affects a donor splice site in intron 14 of the CPLANE1 gene. It is expected to disrupt RNA splicing. Variants that disrupt the donor or acceptor splice site typically lead to a loss of protein function (PMID: 16199547), and loss-of-function variants in CPLANE1 are known to be pathogenic (PMID: 24178751, 26092869).

Literature cited by the submitters: PubMed 16199547; PubMed 24178751; PubMed 26092869.